The following is an entry in ClinVar:

ClinVar aggregate classification (germline): not provided (0 of 4 stars; one submission).

Conditions:
Uterine leiomyoma (UL). Also called: Uterine corpus leiomyoma. Identifiers: MedGen C0042133, MONDO:0007886, OMIM 150699, HP:0000131.

Submission:

Rajkovic Lab, University of Pittsburgh
No classification provided. Condition: Leiomyoma, uterine. Review status: no classification provided. Collection method: not provided. Allele origin: somatic.
ClinVar note: Converted during submission from Associated with leiomyomas to not provided.

NM_005120.3(MED12):c.100-1_139del

Gene: MED12 (mediator complex subunit 12; plus strand). Cytogenetic location: Xq13.1.
Variant type: Deletion.
Coding change: c.100-1_139del on transcript NM_005120.3 (MANE Select); the canonical splice acceptor site of the intron before coding-DNA position 100 through coding-DNA position 139, 41 bases deleted.
Molecular consequence: splice acceptor variant.
Genome position (GRCh38, 1-based): chrX:71,119,372-71,119,412, 41 bases deleted; deleting any 41 consecutive bases within chrX:71,119,371-71,119,412 gives the same sequence; the c. name uses the placement nearest the transcript's 3' end. GRCh37 (hg19): chrX:70,339,222-70,339,262.
Other names: c.100-1_139del41 (NM_005120.2).
Identifiers: ClinVar variation 92197 (VCV000092197.2), dbSNP rs199469676, ClinGen allele CA145526.